The following is an entry in ClinVar:

NM_001100.4(ACTA1):c.113G>A (p.Gly38Asp)

Gene: ACTA1 (actin alpha 1, skeletal muscle; minus strand). Cytogenetic location: 1q42.13.
Variant type: single nucleotide variant.
Coding change: c.113G>A on transcript NM_001100.4 (MANE Select); coding-DNA position 113, G replaced by A.
Protein change: p.Gly38Asp; replaces glycine 38 with aspartic acid.
Molecular consequence: missense variant.
Genome position (GRCh38, 1-based): chr1:229,433,003, C>T on the plus strand (G>A on the coding strand, the complement: ACTA1 is on the minus strand). VCF-style: chr1-229433003-C-T. GRCh37 (hg19) VCF-style: chr1-229568750-C-T.
Other names: short protein forms G38D.
Identifiers: ClinVar variation 1054689 (VCV001054689.9), dbSNP rs2102736562, ClinGen allele CA345151290.

ClinVar aggregate classification (germline): Likely pathogenic (1 of 4 stars; one submission).

Conditions:
Actin accumulation myopathy (CMYO2A). Also called: CONGENITAL MYOPATHY 2A, TYPICAL, AUTOSOMAL DOMINANT; Myopathy, actin, congenital, with cores; Nemaline myopathy 3, with intranuclear rods; Nemaline myopathy type 3; Myopathy, actin, congenital, with excess of thin myofilaments. Identifiers: Orphanet 98904, MedGen C3711389, MONDO:0008070, OMIM 161800.

Submission:

Labcorp Genetics (formerly Invitae), Labcorp
Classification: Likely pathogenic for Actin accumulation myopathy. Last evaluated: 2024-02-23. Review status: criteria provided, single submitter. Criteria: Invitae Variant Classification Sherloc (09022015). Collection method: clinical testing. Allele origin: germline.
Comment: This sequence change replaces glycine, which is neutral and non-polar, with aspartic acid, which is acidic and polar, at codon 38 of the ACTA1 protein (p.Gly38Asp). This variant is not present in population databases (gnomAD no frequency). This missense change has been observed in individual(s) with clinical features of nemaline myopathy (PMID: 35810298; Invitae). In at least one individual the variant was observed to be de novo. ClinVar contains an entry for this variant (Variation ID: 1054689). Advanced modeling of protein sequence and biophysical properties (such as structural, functional, and spatial information, amino acid conservation, physicochemical variation, residue mobility, and thermodynamic stability) performed at Invitae indicates that this missense variant is expected to disrupt ACTA1 protein function with a positive predictive value of 80%. This variant disrupts the p.Gly38 amino acid residue in ACTA1. Other variant(s) that disrupt this residue have been observed in individuals with ACTA1-related conditions (PMID: 19562689), which suggests that this may be a clinically significant amino acid residue. In summary, the currently available evidence indicates that the variant is pathogenic, but additional data are needed to prove that conclusively. Therefore, this variant has been classified as Likely Pathogenic.

Literature cited by the submitters: PubMed 35810298; PubMed 19562689.